The following is an entry in ClinVar:

ClinVar aggregate classification (germline): Uncertain significance (1 of 4 stars; one submission).

Conditions:
Hereditary cancer-predisposing syndrome. Also called: Neoplastic Syndromes, Hereditary; Tumor predisposition; Hereditary Cancer Syndrome; Hereditary neoplastic syndrome. Identifiers: Orphanet 140162, MedGen C0027672, MeSH D009386, MONDO:0015356.

Submission:

Ambry Genetics
Classification: Uncertain significance for Hereditary cancer-predisposing syndrome. Last evaluated: 2026-04-25. Review status: criteria provided, single submitter. Criteria: Ambry Variant Classification Scheme 2023. Collection method: clinical testing. Allele origin: germline.
Comment: The p.K291Q variant (also known as c.871A>C), located in coding exon 8 of the EPCAM gene, results from an A to C substitution at nucleotide position 871. The lysine at codon 291 is replaced by glutamine, an amino acid with similar properties. This amino acid position is conserved. In addition, this alteration is predicted to be tolerated by in silico analysis. Based on the available evidence, the clinical significance of this variant remains unclear.

NM_002354.3(EPCAM):c.871A>C (p.Lys291Gln)

Gene: EPCAM (epithelial cell adhesion molecule; plus strand). Cytogenetic location: 2p21.
Variant type: single nucleotide variant.
Coding change: c.871A>C on transcript NM_002354.3 (MANE Select); coding-DNA position 871, A replaced by C.
Protein change: p.Lys291Gln; replaces lysine 291 with glutamine.
Molecular consequence: missense variant.
Genome position (GRCh38, 1-based): chr2:47,385,178, A>C. VCF-style: chr2-47385178-A-C. GRCh37 (hg19) VCF-style: chr2-47612317-A-C.
Other names: short protein forms K291Q.
Identifiers: ClinVar variation 4870522 (VCV004870522.1).